The following is an entry in ClinVar:

NM_000455.5(STK11):c.792T>C (p.Phe264=)

Gene: STK11 (serine/threonine kinase 11; plus strand). Cytogenetic location: 19p13.3.
Variant type: single nucleotide variant.
Coding change: c.792T>C on transcript NM_000455.5 (MANE Select); coding-DNA position 792, T replaced by C.
Protein change: p.Phe264=; no amino-acid change (phenylalanine 264 retained).
Molecular consequence: synonymous variant.
Genome position (GRCh38, 1-based): chr19:1,221,270, T>C. VCF-style: chr19-1221270-T-C. GRCh37 (hg19) VCF-style: chr19-1221269-T-C.
Identifiers: ClinVar variation 752805 (VCV000752805.10), dbSNP rs1599927625, ClinGen allele CA504707163.

ClinVar aggregate classification (germline): Benign/Likely benign. Review status: criteria provided, multiple submitters, no conflicts (2 of 4 stars). 2 submissions from 2 submitters: Benign (1); Likely benign (1). Last evaluated 2025-03-27.

Conditions:
Peutz-Jeghers syndrome (PJS). Also called: POLYPOSIS, HAMARTOMATOUS INTESTINAL; POLYPS-AND-SPOTS SYNDROME; Peutz-Jeghers polyposis; Periorificial lentiginosis syndrome. Identifiers: Orphanet 2869, MedGen C0031269, MeSH D010580, MONDO:0008280, OMIM 175200.

Submissions (2):

Myriad Genetics, Inc.
Classification: Benign for Peutz-Jeghers syndrome. Last evaluated: 2025-03-27. Review status: criteria provided, single submitter. Criteria: Myriad Autosomal Dominant, Autosomal Recessive and X-Linked Classification Criteria (2023). Collection method: clinical testing. Allele origin: unknown.
Comment: This variant is considered benign. This variant is a silent/synonymous amino acid change and it is not expected to impact splicing.

Labcorp Genetics (formerly Invitae), Labcorp
Classification: Likely benign for Peutz-Jeghers syndrome. Last evaluated: 2024-01-06. Review status: criteria provided, single submitter. Criteria: Invitae Variant Classification Sherloc (09022015). Collection method: clinical testing. Allele origin: germline.